The following is an entry in ClinVar:

NM_005458.8(GABBR2):c.1737C>T (p.His579=)

Gene: GABBR2 (gamma-aminobutyric acid type B receptor subunit 2; minus strand). Cytogenetic location: 9q22.33.
Variant type: single nucleotide variant.
Coding change: c.1737C>T on transcript NM_005458.8 (MANE Select); coding-DNA position 1737, C replaced by T.
Protein change: p.His579=; no amino-acid change (histidine 579 retained).
Molecular consequence: synonymous variant.
Genome position (GRCh38, 1-based): chr9:98,371,497, G>A on the plus strand (C>T on the coding strand, the complement: GABBR2 is on the minus strand). VCF-style: chr9-98371497-G-A. GRCh37 (hg19) VCF-style: chr9-101133779-G-A.
Other names: c.1737C>T (NM_005458.7).
Identifiers: ClinVar variation 1149623 (VCV001149623.11), dbSNP rs560132993, ClinGen allele CA196783267.

ClinVar aggregate classification (germline): Likely benign. Review status: criteria provided, single submitter (1 of 4 stars). 2 submissions from 2 submitters: Likely benign (1). 1 of the submissions does not count toward it. Last evaluated 2023-10-07.

Conditions:
Epileptic encephalopathy. Identifiers: MedGen C0543888, HP:0200134.
GABBR2-related disorder. Also called: GABBR2-related condition; GABBR2-related disorders.

Allele frequency attached by ClinVar (database versions not stated): gnomAD exomes 0.00001; gnomAD 0.00002 and 0.00001; TOPMed 0.00002; 1000 Genomes Project 30x 0.00016; 1000 Genomes Project 0.00020.
gnomAD v4.1: 22 of 1,606,928 alleles (0.0014%); highest among the groups gnomAD compares: East Asian, 0.0067%; no homozygotes.

Submissions (2):

Labcorp Genetics (formerly Invitae), Labcorp
Classification: Likely benign for Epileptic encephalopathy. Last evaluated: 2023-10-07. Review status: criteria provided, single submitter. Criteria: Invitae Variant Classification Sherloc (09022015). Collection method: clinical testing. Allele origin: germline.

PreventionGenetics, part of Exact Sciences
Classification: Likely benign for GABBR2-related condition. Last evaluated: 2019-10-03. Review status: no assertion criteria provided. Collection method: clinical testing. Allele origin: germline. Not counted in ClinVar's aggregate classification.
Comment: This variant is classified as likely benign based on ACMG/AMP sequence variant interpretation guidelines (Richards et al. 2015 PMID: 25741868, with internal and published modifications).